The following is an entry in ClinVar:

ClinVar aggregate classification (germline): Conflicting classifications of pathogenicity. Review status: criteria provided, conflicting classifications (1 of 4 stars). 3 submissions from 3 submitters: Uncertain significance (1); Likely benign (1). 1 of the submissions does not count toward it. Last evaluated 2025-05-27.

Conditions:
Inborn genetic diseases. Identifiers: MedGen C0950123, MeSH D030342.
PDE3A-related disorder. Also called: PDE3A-related condition.

Allele frequency attached by ClinVar (database versions not stated): gnomAD exomes 0.00007; ExAC 0.00020; ESP Exome Variant Server 0.00048; 1000 Genomes Project 30x 0.00078; gnomAD 0.00079; 1000 Genomes Project 0.00100.
gnomAD v4.1: 223 of 1,558,582 alleles (0.014%); highest among the groups gnomAD compares: African/African-American, 0.27%; no homozygotes.

Submissions (3):

Labcorp Genetics (formerly Invitae), Labcorp
Classification: Likely benign. Last evaluated: 2025-05-27. Review status: criteria provided, single submitter. Criteria: Invitae Variant Classification Sherloc (09022015). Collection method: clinical testing. Allele origin: germline.

Ambry Genetics
Classification: Uncertain significance for Inborn genetic diseases. Last evaluated: 2024-02-27. Review status: criteria provided, single submitter. Criteria: Ambry Variant Classification Scheme 2023. Collection method: clinical testing. Allele origin: germline.

PreventionGenetics, part of Exact Sciences
Classification: Likely benign for PDE3A-related condition. Last evaluated: 2021-01-11. Review status: no assertion criteria provided. Collection method: clinical testing. Allele origin: germline. Not counted in ClinVar's aggregate classification.
Comment: This variant is classified as likely benign based on ACMG/AMP sequence variant interpretation guidelines (Richards et al. 2015 PMID: 25741868, with internal and published modifications).

NM_000921.5(PDE3A):c.269A>G (p.Glu90Gly)

Genes: PDE3A (phosphodiesterase 3A; plus strand), PDE3A-AS1 (PDE3A antisense RNA 1; minus strand). Cytogenetic location: 12p12.2.
Variant type: single nucleotide variant.
Coding change: c.269A>G on transcript NM_000921.5 (MANE Select); coding-DNA position 269, A replaced by G.
Protein change: p.Glu90Gly; replaces glutamic acid 90 with glycine.
Molecular consequence: missense variant. On other transcripts: 5 prime UTR variant (1).
Genome position (GRCh38, 1-based): chr12:20,369,553, A>G. VCF-style: chr12-20369553-A-G. GRCh37 (hg19) VCF-style: chr12-20522487-A-G.
Other names: c.269A>G (NM_000921.4); c.269A>G, p.Glu90Gly (NM_001378407.1); c.-760A>G (NM_001378408.1); short protein forms E90G.
Identifiers: ClinVar variation 2711959 (VCV002711959.6), dbSNP rs372953537, ClinGen allele CA6473372.